The following is an entry in ClinVar:

NM_000166.6(GJB1):c.316C>G (p.Leu106Val)

Gene: GJB1 (gap junction protein beta 1; plus strand). Cytogenetic location: Xq13.1.
Variant type: single nucleotide variant.
Coding change: c.316C>G on transcript NM_000166.6 (MANE Select); coding-DNA position 316, C replaced by G.
Protein change: p.Leu106Val; replaces leucine 106 with valine.
Molecular consequence: missense variant.
Genome position (GRCh38, 1-based): chrX:71,224,023, C>G. VCF-style: chrX-71224023-C-G. GRCh37 (hg19) VCF-style: chrX-70443873-C-G.
Other names: c.316C>G, p.Leu106Val (NM_001097642.3); short protein forms L106V.
Identifiers: ClinVar variation 2842394 (VCV002842394.3), dbSNP rs2519798286, ClinGen allele CA413501900.
Genomic context (GRCh38, chrX:71,224,023, plus strand): 5'-ACCCCAGCTCTCCTCGTGGCCATGCACGTGGCTCACCAGCAACACATAGAGAAGAAAATG[C>G]TACGGCTTGAGGGCCATGGGGACCCCCTACACCTGGAGGAGGTGAAGAGGCACAAGGTCC-3'
Protein context (NP_000157.1, residues 96-116): AHQQHIEKKM[Leu106Val]RLEGHGDPLH

ClinVar aggregate classification (germline): Uncertain significance (1 of 4 stars; one submission).

Conditions:
Charcot-Marie-Tooth Neuropathy X. Identifiers: MedGen CN118851.

Submission:

Labcorp Genetics (formerly Invitae), Labcorp
Classification: Uncertain significance for Charcot-Marie-Tooth Neuropathy X. Last evaluated: 2023-04-23. Review status: criteria provided, single submitter. Criteria: Invitae Variant Classification Sherloc (09022015). Collection method: clinical testing. Allele origin: germline.
Comment: Advanced modeling of protein sequence and biophysical properties (such as structural, functional, and spatial information, amino acid conservation, physicochemical variation, residue mobility, and thermodynamic stability) performed at Invitae indicates that this missense variant is not expected to disrupt GJB1 protein function. In summary, the available evidence is currently insufficient to determine the role of this variant in disease. Therefore, it has been classified as a Variant of Uncertain Significance. This variant has not been reported in the literature in individuals affected with GJB1-related conditions. This variant is not present in population databases (gnomAD no frequency). This sequence change replaces leucine, which is neutral and non-polar, with valine, which is neutral and non-polar, at codon 106 of the GJB1 protein (p.Leu106Val).